The following is an entry in ClinVar:

NM_000179.3(MSH6):c.1449G>C (p.Val483=)

Gene: MSH6 (mutS homolog 6; plus strand). Cytogenetic location: 2p16.3.
Variant type: single nucleotide variant.
Coding change: c.1449G>C on transcript NM_000179.3 (MANE Select); coding-DNA position 1449, G replaced by C.
Protein change: p.Val483=; no amino-acid change (valine 483 retained).
Molecular consequence: synonymous variant.
Genome position (GRCh38, 1-based): chr2:47,799,432, G>C. VCF-style: chr2-47799432-G-C. GRCh37 (hg19) VCF-style: chr2-48026571-G-C.
Other names: c.543G>C, p.Val181= (NM_001281494.2, NM_001281493.2); c.1059G>C, p.Val353= (NM_001281492.2).
Identifiers: ClinVar variation 763472 (VCV000763472.14), dbSNP rs35590297, ClinGen allele CA46708107.
Genomic context (GRCh38, chr2:47,799,432, plus strand): 5'-AATTGCATTTGGCCGTTATTCAGATTCCCTGGTGCAGAAGGGCTATAAAGTAGCACGAGT[G>C]GAACAGACTGAGACTCCAGAAATGATGGAGGCACGATGTAGAAAGATGGCACATATATCC-3'
Protein context (NP_000170.1, residues 473-493): LVQKGYKVAR[Val483=]EQTETPEMME

ClinVar aggregate classification (germline): Conflicting classifications of pathogenicity. Review status: criteria provided, conflicting classifications (1 of 4 stars). 6 submissions from 6 submitters: Uncertain significance (1); Benign (1); Likely benign (4). Last evaluated 2025-07-28.

Conditions:
Hereditary cancer-predisposing syndrome. Also called: Tumor predisposition; Neoplastic Syndromes, Hereditary; Hereditary Cancer Syndrome; Hereditary neoplastic syndrome. Identifiers: Orphanet 140162, MedGen C0027672, MeSH D009386, MONDO:0015356.
Lynch syndrome 5 (LYNCH5). Also called: Colorectal cancer, hereditary nonpolyposis, type 5; Hereditary non-polyposis colorectal cancer, type 5. Identifiers: Orphanet 144, MedGen C1833477, MONDO:0013710, OMIM 614350. Disease mechanism: loss of function.
Hereditary nonpolyposis colorectal neoplasms. Identifiers: MedGen C0009405, MeSH D003123.
Lynch syndrome. Identifiers: Orphanet 144, MedGen C4552100, MONDO:0005835. Disease mechanism: loss of function.

gnomAD v4.1: 1 of 1,614,142 alleles (0.000062%); highest among the groups gnomAD compares: Non-Finnish European, 0.000085%; no homozygotes.

Submissions (6):

Labcorp Genetics (formerly Invitae), Labcorp
Classification: Likely benign for Hereditary nonpolyposis colorectal neoplasms. Last evaluated: 2025-07-28. Review status: criteria provided, single submitter. Criteria: Invitae Variant Classification Sherloc (09022015). Collection method: clinical testing. Allele origin: germline.

Myriad Genetics, Inc.
Classification: Benign for Lynch syndrome 5. Last evaluated: 2024-12-26. Review status: criteria provided, single submitter. Criteria: Myriad Autosomal Dominant, Autosomal Recessive and X-Linked Classification Criteria (2023). Collection method: clinical testing. Allele origin: unknown.
Comment: This variant is considered benign. This variant is a silent/synonymous amino acid change and it is not expected to impact splicing.

Quest Diagnostics Nichols Institute San Juan Capistrano
Classification: Uncertain significance. Last evaluated: 2024-03-18. Review status: criteria provided, single submitter. Criteria: Quest Diagnostics criteria. Collection method: clinical testing. Allele origin: unknown.
Comment: The MSH6 c.1449G>C (p.Val483=) synonymous variant has not been reported in individuals with MSH6-related conditions in the published literature. It also has not been reported in large, multi-ethnic general populations (Genome Aggregation Database). Analysis of this variant using software algorithms for the prediction of the effect of nucleotide changes on splicing yielded predictions that this variant does not affect MSH6 mRNA splicing. Based on the available information, we are unable to determine the clinical significance of this variant.

All of Us Research Program, National Institutes of Health
Classification: Likely benign for Lynch syndrome. Last evaluated: 2023-12-13. Review status: criteria provided, single submitter. Criteria: ACMG Guidelines, 2015. Collection method: clinical testing. Allele origin: germline. Inheritance: Autosomal dominant inheritance. Observed: 2 variant alleles, 2 heterozygotes.
Comment: This study involves interpretation of variants in research participants for the purpose of population health screening. Participant phenotype was not available at the time of variant classification. Additional details can be found in publication PMID: 35346344, PMCID: PMC8962531

Ambry Genetics
Classification: Likely benign for Hereditary cancer-predisposing syndrome. Last evaluated: 2023-10-12. Review status: criteria provided, single submitter. Criteria: Ambry Variant Classification Scheme 2023. Collection method: clinical testing. Allele origin: germline.

Color Diagnostics, LLC DBA Color Health
Classification: Likely benign for Hereditary cancer-predisposing syndrome. Last evaluated: 2018-12-04. Review status: criteria provided, single submitter. Criteria: ACMG Guidelines, 2015. Collection method: clinical testing. Allele origin: germline.